The following is an entry in ClinVar:

NM_017934.7(PHIP):c.130C>G (p.Leu44Val)

Gene: PHIP (PHIP subunit of CUL4-Ring ligase complex; minus strand). Cytogenetic location: 6q14.1.
Variant type: single nucleotide variant.
Coding change: c.130C>G on transcript NM_017934.7 (MANE Select); coding-DNA position 130, C replaced by G.
Protein change: p.Leu44Val; replaces leucine 44 with valine.
Molecular consequence: missense variant.
Genome position (GRCh38, 1-based): chr6:79,077,507, G>C on the plus strand (C>G on the coding strand, the complement: PHIP is on the minus strand). VCF-style: chr6-79077507-G-C. GRCh37 (hg19) VCF-style: chr6-79787224-G-C.
Other names: short protein forms L44V.
Identifiers: ClinVar variation 4983834 (VCV004983834.1).

ClinVar aggregate classification (germline): Uncertain significance (1 of 4 stars; one submission).

Conditions:
PHIP-related disorder. Also called: PHIP-related condition; PHIP-related disorders.

gnomAD v4.1: 3 of 1,546,142 alleles (0.00019%); highest among the groups gnomAD compares: African/African-American, 0.0043%; no homozygotes.

Submission:

PreventionGenetics, part of Exact Sciences
Classification: Uncertain significance for PHIP-related condition. Last evaluated: 2026-08-27. Review status: criteria provided, single submitter. Criteria: ACMG Guidelines, 2015. Collection method: clinical testing. Allele origin: germline.
Comment: The PHIP c.130C>G variant is predicted to result in the amino acid substitution p.Leu44Val. To our knowledge, this variant has not been reported in the literature. This variant is reported in 0.0089% of alleles in individuals of African descent in gnomAD. At this time, the clinical significance of this variant is uncertain due to the absence of conclusive functional and genetic evidence.